The following is an entry in ClinVar:

NM_014264.5(PLK4):c.1870G>A (p.Val624Ile)

Gene: PLK4 (polo like kinase 4; plus strand). Cytogenetic location: 4q28.1.
Variant type: single nucleotide variant.
Coding change: c.1870G>A on transcript NM_014264.5 (MANE Select); coding-DNA position 1870, G replaced by A.
Protein change: p.Val624Ile; replaces valine 624 with isoleucine.
Molecular consequence: missense variant.
Genome position (GRCh38, 1-based): chr4:127,891,131, G>A. VCF-style: chr4-127891131-G-A. GRCh37 (hg19) VCF-style: chr4-128812286-G-A.
Other names: c.1774G>A, p.Val592Ile (NM_001190799.2); c.1747G>A, p.Val583Ile (NM_001190801.2); short protein forms V583I, V592I, V624I.
Identifiers: ClinVar variation 1924684 (VCV001924684.5), dbSNP rs763452417, ClinGen allele CA3076882.

ClinVar aggregate classification (germline): Uncertain significance (1 of 4 stars; one submission).

Allele frequency attached by ClinVar (database versions not stated): gnomAD exomes below 0.00001; ExAC 0.00001; gnomAD 0.00002.
gnomAD v4.1: 9 of 1,592,768 alleles (0.00057%); highest among the groups gnomAD compares: Middle Eastern, 0.017%; no homozygotes.

Submission:

Labcorp Genetics (formerly Invitae), Labcorp
Classification: Uncertain significance. Last evaluated: 2021-12-29. Review status: criteria provided, single submitter. Criteria: Invitae Variant Classification Sherloc (09022015). Collection method: clinical testing. Allele origin: germline.
Comment: Algorithms developed to predict the effect of missense changes on protein structure and function (SIFT, PolyPhen-2, Align-GVGD) all suggest that this variant is likely to be tolerated. In summary, the available evidence is currently insufficient to determine the role of this variant in disease. Therefore, it has been classified as a Variant of Uncertain Significance. This variant has not been reported in the literature in individuals affected with PLK4-related conditions. This variant is present in population databases (rs763452417, gnomAD 0.004%). This sequence change replaces valine, which is neutral and non-polar, with isoleucine, which is neutral and non-polar, at codon 624 of the PLK4 protein (p.Val624Ile).